The following is an entry in ClinVar:

ClinVar aggregate classification (germline): Uncertain significance. Review status: criteria provided, multiple submitters, no conflicts (2 of 4 stars). 2 submissions from 2 submitters: Uncertain significance (2). Last evaluated 2024-03-09.

Conditions:
Inborn genetic diseases. Identifiers: MedGen C0950123, MeSH D030342.

Allele frequency attached by ClinVar (database versions not stated): gnomAD 0.00002; ExAC 0.00003; gnomAD exomes 0.00005.
gnomAD v4.1: 70 of 1,614,124 alleles (0.0043%); highest among the groups gnomAD compares: Non-Finnish European, 0.0057%; no homozygotes.

Submissions (2):

Labcorp Genetics (formerly Invitae), Labcorp
Classification: Uncertain significance. Last evaluated: 2024-03-09. Review status: criteria provided, single submitter. Criteria: Invitae Variant Classification Sherloc (09022015). Collection method: clinical testing. Allele origin: germline.
Comment: This sequence change replaces cysteine, which is neutral and slightly polar, with tyrosine, which is neutral and polar, at codon 636 of the LRRK1 protein (p.Cys636Tyr). This variant is present in population databases (rs762074642, gnomAD 0.007%). This variant has not been reported in the literature in individuals affected with LRRK1-related conditions. ClinVar contains an entry for this variant (Variation ID: 2469270). An algorithm developed to predict the effect of missense changes on protein structure and function (PolyPhen-2) suggests that this variant is likely to be disruptive. In summary, the available evidence is currently insufficient to determine the role of this variant in disease. Therefore, it has been classified as a Variant of Uncertain Significance.

Ambry Genetics
Classification: Uncertain significance for Inborn genetic diseases. Last evaluated: 2023-01-25. Review status: criteria provided, single submitter. Criteria: Ambry Variant Classification Scheme 2023. Collection method: clinical testing. Allele origin: germline.

NM_024652.6(LRRK1):c.1907G>A (p.Cys636Tyr)

Gene: LRRK1 (leucine rich repeat kinase 1; plus strand). Cytogenetic location: 15q26.3.
Variant type: single nucleotide variant.
Coding change: c.1907G>A on transcript NM_024652.6 (MANE Select); coding-DNA position 1907, G replaced by A.
Protein change: p.Cys636Tyr; replaces cysteine 636 with tyrosine.
Molecular consequence: missense variant.
Genome position (GRCh38, 1-based): chr15:101,022,437, G>A. VCF-style: chr15-101022437-G-A. GRCh37 (hg19) VCF-style: chr15-101562642-G-A.
Other names: short protein forms C636Y.
Identifiers: ClinVar variation 2469270 (VCV002469270.4), dbSNP rs762074642, ClinGen allele CA7761070.